The following is an entry in ClinVar:

ClinVar aggregate classification (germline): Conflicting classifications of pathogenicity. Review status: criteria provided, conflicting classifications (1 of 4 stars). 4 submissions from 4 submitters: Uncertain significance (3); Likely benign (1). Last evaluated 2025-12-26.

Conditions:
Ullrich congenital muscular dystrophy 2 (UCMD2). Identifiers: Orphanet 75840, MedGen C4225314, MONDO:0014654, OMIM 616470.
Bethlem myopathy 2 (BTHLM2). Identifiers: Orphanet 536516, Orphanet 610, MedGen C4225313, MONDO:0034022, OMIM 616471.

Allele frequency attached by ClinVar (database versions not stated): gnomAD exomes 0.00002; gnomAD 0.00004; ExAC 0.00005; TOPMed 0.00005; ESP Exome Variant Server 0.00017.
gnomAD v4.1: 22 of 1,609,082 alleles (0.0014%); highest among the groups gnomAD compares: East Asian, 0.0045%; no homozygotes.

Submissions (4):

Women's Health and Genetics/Laboratory Corporation of America, LabCorp
Classification: Uncertain significance. Last evaluated: 2025-12-26. Review status: criteria provided, single submitter. Criteria: LabCorp Variant Classification Summary - May 2015. Collection method: clinical testing. Allele origin: germline.
Comment: Variant summary: COL12A1 c.6940C>T (p.Arg2314Trp) results in a non-conservative amino acid change in the encoded protein sequence. Algorithms developed to predict the effect of missense changes on protein structure and function are either unavailable or do not agree on the potential impact of this missense change. The variant allele was found at a frequency of 2.5e-05 in 241190 control chromosomes. The available data on variant occurrences in the general population are insufficient to allow any conclusion about variant significance. To our knowledge, no occurrence of c.6940C>T in individuals affected with COL12A1-related conditions and no experimental evidence demonstrating its impact on protein function have been reported. ClinVar contains an entry for this variant (Variation ID: 653954). Based on the evidence outlined above, the variant was classified as uncertain significance.

Blueprint Genetics
Classification: Uncertain significance. Last evaluated: 2024-07-15. Review status: criteria provided, single submitter. Criteria: ACMG Guidelines, 2015. Collection method: clinical testing. Allele origin: germline.

Labcorp Genetics (formerly Invitae), Labcorp
Classification: Likely benign for Bethlem myopathy 2; Ullrich congenital muscular dystrophy 2. Last evaluated: 2024-06-22. Review status: criteria provided, single submitter. Criteria: Invitae Variant Classification Sherloc (09022015). Collection method: clinical testing. Allele origin: germline.

Revvity Omics, Revvity
Classification: Uncertain significance. Last evaluated: 2019-04-02. Review status: criteria provided, single submitter. Criteria: ACMG Guidelines, 2015. Collection method: clinical testing. Allele origin: germline.

NM_004370.6(COL12A1):c.6940C>T (p.Arg2314Trp)

Gene: COL12A1 (collagen type XII alpha 1 chain; minus strand). Cytogenetic location: 6q13.
Variant type: single nucleotide variant.
Coding change: c.6940C>T on transcript NM_004370.6 (MANE Select); coding-DNA position 6940, C replaced by T.
Protein change: p.Arg2314Trp; replaces arginine 2314 with tryptophan.
Molecular consequence: missense variant.
Genome position (GRCh38, 1-based): chr6:75,123,336, G>A on the plus strand (C>T on the coding strand, the complement: COL12A1 is on the minus strand). VCF-style: chr6-75123336-G-A. GRCh37 (hg19) VCF-style: chr6-75833052-G-A.
Other names: c.3448C>T, p.Arg1150Trp (NM_080645.3); short protein forms R1150W, R2314W.
Identifiers: ClinVar variation 653954 (VCV000653954.13), dbSNP rs368686970, ClinGen allele CA3892696.